The following is an entry in ClinVar:

NM_020937.4(FANCM):c.1826A>G (p.Tyr609Cys)

Gene: FANCM (FA complementation group M; plus strand). Cytogenetic location: 14q21.2.
Variant type: single nucleotide variant.
Coding change: c.1826A>G on transcript NM_020937.4 (MANE Select); coding-DNA position 1826, A replaced by G.
Protein change: p.Tyr609Cys; replaces tyrosine 609 with cysteine.
Molecular consequence: missense variant.
Genome position (GRCh38, 1-based): chr14:45,166,987, A>G. VCF-style: chr14-45166987-A-G. GRCh37 (hg19) VCF-style: chr14-45636190-A-G.
Other names: c.1748A>G, p.Tyr583Cys (NM_001308133.2); c.1826A>G, p.Tyr609Cys (NM_001308134.2); short protein forms Y609C, Y583C.
Identifiers: ClinVar variation 2183020 (VCV002183020.4), dbSNP rs1343809479, ClinGen allele CA389594852.

ClinVar aggregate classification (germline): Uncertain significance (1 of 4 stars; one submission).

Conditions:
Fanconi anemia (FA). Also called: Fanconi's anemia. Identifiers: Orphanet 84, MedGen C0015625, MeSH D005199, MONDO:0019391.

Allele frequency attached by ClinVar (database versions not stated): gnomAD exomes below 0.00001.
gnomAD v4.1: 3 of 1,602,104 alleles (0.00019%); highest among the groups gnomAD compares: Non-Finnish European, 0.00026%; no homozygotes.

Submission:

Labcorp Genetics (formerly Invitae), Labcorp
Classification: Uncertain significance for Fanconi anemia. Last evaluated: 2022-03-07. Review status: criteria provided, single submitter. Criteria: Invitae Variant Classification Sherloc (09022015). Collection method: clinical testing. Allele origin: germline.
Comment: In summary, the available evidence is currently insufficient to determine the role of this variant in disease. Therefore, it has been classified as a Variant of Uncertain Significance. Algorithms developed to predict the effect of missense changes on protein structure and function output the following: SIFT: "Tolerated"; PolyPhen-2: "Benign"; Align-GVGD: "Class C0". The cysteine amino acid residue is found in multiple mammalian species, which suggests that this missense change does not adversely affect protein function. This sequence change replaces tyrosine, which is neutral and polar, with cysteine, which is neutral and slightly polar, at codon 609 of the FANCM protein (p.Tyr609Cys). This variant is present in population databases (no rsID available, gnomAD 0.0009%). This variant has not been reported in the literature in individuals affected with FANCM-related conditions.